The following is an entry in ClinVar:

ClinVar aggregate classification (germline): Likely benign. Review status: criteria provided, multiple submitters, no conflicts (2 of 4 stars). 2 submissions from 2 submitters: Likely benign (2). Last evaluated 2024-08-02.

Submissions (2):

Women's Health and Genetics/Laboratory Corporation of America, LabCorp
Classification: Likely benign. Last evaluated: 2024-08-02. Review status: criteria provided, single submitter. Criteria: LabCorp Variant Classification Summary - May 2015. Collection method: clinical testing. Allele origin: germline.
Comment: Variant summary: HBB c.316-171_316-156dup16 is located at a position not widely known to affect splicing. Consensus agreement among computation tools predict no significant impact on normal splicing. However, these predictions have yet to be confirmed by functional studies. The variant was absent in 31406 control chromosomes (gnomAD). The available data on variant occurrences in the general population are insufficient to allow any conclusion about variant significance. To our knowledge, no occurrence of c.316-171_316-156dup16 in individuals affected with Hemoglobinopathy and no experimental evidence demonstrating its impact on protein function have been reported. ClinVar contains an entry for this variant (Variation ID: 1563749). Based on the evidence outlined above, the variant was classified as likely benign.

Labcorp Genetics (formerly Invitae), Labcorp
Classification: Likely benign. Last evaluated: 2021-06-04. Review status: criteria provided, single submitter. Criteria: Invitae Variant Classification Sherloc (09022015). Collection method: clinical testing. Allele origin: germline.

NM_000518.5(HBB):c.316-171_316-156dup

Genes: HBB (hemoglobin subunit beta; minus strand), LOC107133510 (origin of replication at HBB; plus strand), LOC110006319 (beta-globin gene 3' regulatory region; plus strand). Cytogenetic location: 11p15.4.
Variant type: Duplication.
Coding change: c.316-171_316-156dup on transcript NM_000518.5 (MANE Select); 171 bases into the intron before coding-DNA position 316 through 156 bases into the intron before coding-DNA position 316, 16 bases duplicated (ATTTCTGCATATAAAT).
Molecular consequence: intron variant.
Genome position (GRCh38, 1-based): chr11:5,225,882-5,225,897, ATTTATATGCAGAAAT duplicated on the plus strand (ATTTCTGCATATAAAT on the coding strand, the reverse complement: HBB is on the minus strand); duplicating any 16 consecutive bases within chr11:5,225,882-5,225,910 gives the same sequence; the c. name uses the placement nearest the transcript's 3' end. VCF-style (leftmost placement, unchanged base first): chr11-5225881-A-AATTTATATGCAGAAAT. GRCh37 (hg19) VCF-style: chr11-5247111-A-AATTTATATGCAGAAAT.
Other names: c.316-171_316-156dup16 (NM_000518.5).
Identifiers: ClinVar variation 1563749 (VCV001563749.9), dbSNP rs2133586678, ClinGen allele CA2573147108.